The following is an entry in ClinVar:

NM_017849.4(TMEM127):c.613del (p.Glu205fs)

Gene: TMEM127 (transmembrane protein 127; minus strand). Cytogenetic location: 2q11.2.
Variant type: Deletion.
Coding change: c.613del on transcript NM_017849.4 (MANE Select); coding-DNA position 613, one base deleted (G; older notation c.613delG).
Protein change: p.Glu205fs; shifts the reading frame from glutamic acid 205.
Molecular consequence: frameshift variant.
Genome position (GRCh38, 1-based): chr2:96,253,912, C deleted on the plus strand (G on the coding strand, the reverse complement: TMEM127 is on the minus strand); the first of 2 consecutive C bases (chr2:96,253,912-96,253,913); deleting either gives the same sequence. VCF-style (leftmost placement, unchanged base first): chr2-96253911-TC-T. GRCh37 (hg19) VCF-style: chr2-96919649-TC-T.
Other names: c.613del, p.Glu205fs (NM_001193304.3); c.613delG (NM_017849.3); short protein forms E205fs.
Identifiers: ClinVar variation 962576 (VCV000962576.8), dbSNP rs1684144086, ClinGen allele CA1139655614.

ClinVar aggregate classification (germline): Conflicting classifications of pathogenicity. Review status: criteria provided, conflicting classifications (1 of 4 stars). 2 submissions from 2 submitters: Likely pathogenic (1); Uncertain significance (1). Last evaluated 2026-01-22.

Conditions:
Hereditary pheochromocytoma and paraganglioma. Also called: Hereditary pheochromocytoma-paraganglioma; Hereditary Paraganglioma-Pheochromocytoma Syndromes; Hereditary paragangliomas and pheochromocytomas. Identifiers: Orphanet 29072, MedGen C4274332, MONDO:0017366.
Hereditary cancer-predisposing syndrome. Also called: Hereditary neoplastic syndrome; Hereditary Cancer Syndrome; Tumor predisposition; Neoplastic Syndromes, Hereditary. Identifiers: Orphanet 140162, MedGen C0027672, MeSH D009386, MONDO:0015356.

Submissions (2):

Labcorp Genetics (formerly Invitae), Labcorp
Classification: Uncertain significance for Hereditary pheochromocytoma and paraganglioma. Last evaluated: 2026-01-22. Review status: criteria provided, single submitter. Criteria: Invitae Variant Classification Sherloc (09022015). Collection method: clinical testing. Allele origin: germline.
Comment: This sequence change is expected to alter the c-terminus of the TMEM127 protein (p.Glu205Serfs*102). While this is not anticipated to result in nonsense mediated decay, it is expected to disrupt the last 34 amino acid(s) of the TMEM127 protein and extend the protein by 67 additional amino acid residues. This variant is not present in population databases (gnomAD no frequency). This variant has not been reported in the literature in individuals affected with TMEM127-related conditions. ClinVar contains an entry for this variant (Variation ID: 962576). Experimental studies and prediction algorithms are not available or were not evaluated, and the functional significance of this variant is currently unknown. In summary, the available evidence is currently insufficient to determine the role of this variant in disease. Therefore, it has been classified as a Variant of Uncertain Significance.

Ambry Genetics
Classification: Likely pathogenic for Hereditary cancer-predisposing syndrome. Last evaluated: 2026-01-21. Review status: criteria provided, single submitter. Criteria: Ambry Variant Classification Scheme 2023. Collection method: clinical testing. Allele origin: germline.
Comment: The c.613delG variant, located in coding exon 3 of the TMEM127 gene, results from a deletion of one nucleotide at position 627, causing a translational frameshift with a predicted alternate stop codon (p.E205Sfs*102). This alteration occurs at the 3' terminus of the TMEM127 gene, is not expected to trigger nonsense-mediated mRNA decay, and results in the elongation of the protein by 68 amino acids. This frameshift impacts the last 34 amino acids of the native protein. However, frameshifts are typically deleterious in nature and a significant portion of the protein is affected (Ambry internal data). A downstream alteration, TMEM127 c.627_640dup14 p.M214Sfs*98, which impacts a smaller portion of the native protein and results in the same elongated sequence, has been identified in an individual reported to be affected with bilateral pheochromocytomas and papillary thyroid cancer (Yao L et al. JAMA. 2010 Dec;304:2611-9; Armaiz-Pena G et al. J Clin Endocrinol Metab. 2021 Jan;106:e350-e364). In addition, c.627_640dup14 was reported to result in mislocalization of the protein (Flores SK et al. J Clin Endocrinol Metab. 2020 Sep;105:e3142-56). This variant is considered to be rare based on population cohorts in the Genome Aggregation Database (gnomAD). Based on the majority of available evidence to date, this variant is likely to be pathogenic.